The following is an entry in ClinVar:

ClinVar aggregate classification (germline): Uncertain significance (1 of 4 stars; one submission).

Conditions:
Cardiovascular phenotype. Identifiers: MedGen CN230736.

Submission:

Ambry Genetics
Classification: Uncertain significance for Cardiovascular phenotype. Last evaluated: 2025-02-06. Review status: criteria provided, single submitter. Criteria: Ambry Variant Classification Scheme 2023. Collection method: clinical testing. Allele origin: germline.
Comment: The p.Q381R variant (also known as c.1142A>G), located in coding exon 5 of the ALPK3 gene, results from an A to G substitution at nucleotide position 1142. The glutamine at codon 381 is replaced by arginine, an amino acid with highly similar properties. This amino acid position is conserved. In addition, this alteration is predicted to be tolerated by in silico analysis. Based on the available evidence, the clinical significance of this variant remains unclear.

NM_020778.5(ALPK3):c.536A>G (p.Gln179Arg)

Gene: ALPK3 (alpha kinase 3; plus strand). Cytogenetic location: 15q25.3.
Variant type: single nucleotide variant.
Coding change: c.536A>G on transcript NM_020778.5 (MANE Select); coding-DNA position 536, A replaced by G.
Protein change: p.Gln179Arg; replaces glutamine 179 with arginine.
Molecular consequence: missense variant.
Genome position (GRCh38, 1-based): chr15:84,839,815, A>G. VCF-style: chr15-84839815-A-G. GRCh37 (hg19) VCF-style: chr15-85383046-A-G.
Other names: short protein forms Q179R.
Identifiers: ClinVar variation 3859433 (VCV003859433.1).